The following is an entry in ClinVar:

NM_014140.4(SMARCAL1):c.1777C>T (p.Gln593Ter)

Gene: SMARCAL1 (SNF2 related chromatin remodeling annealing helicase 1; plus strand). Cytogenetic location: 2q35.
Variant type: single nucleotide variant.
Coding change: c.1777C>T on transcript NM_014140.4 (MANE Select); coding-DNA position 1777, C replaced by T.
Protein change: p.Gln593Ter; replaces glutamine 593 with a stop codon.
Molecular consequence: nonsense.
Genome position (GRCh38, 1-based): chr2:216,447,084, C>T. VCF-style: chr2-216447084-C-T. GRCh37 (hg19) VCF-style: chr2-217311807-C-T.
Other names: c.1777C>T, p.Gln593Ter (NM_001127207.2); short protein forms Q593*.
Identifiers: ClinVar variation 2807655 (VCV002807655.4), dbSNP rs2469012558, ClinGen allele CA350501721.
Genomic context (GRCh38, chr2:216,447,084, plus strand): 5'-AAGAGGGTGATCCTGTTGTCGGGCACACCAGCCATGTCCCGGCCCGCAGAGCTCTACACG[C>T]AGATCATCGCAGTCAAGCCAACTTTCTTCCCCCAGTTTCATGCCTTTGGACTTCGCTACT-3'

ClinVar aggregate classification (germline): Pathogenic (1 of 4 stars; one submission).

Conditions:
Schimke immuno-osseous dysplasia (SIOD). Also called: Schimke Immunoosseous Dysplasia. Identifiers: Orphanet 1830, MedGen C0877024, MONDO:0009458, OMIM 242900.

Allele frequency attached by ClinVar (database versions not stated): gnomAD exomes below 0.00001.
gnomAD v4.1: 1 of 1,614,058 alleles (0.000062%); highest among the groups gnomAD compares: East Asian, 0.0022%; no homozygotes.

Submission:

Labcorp Genetics (formerly Invitae), Labcorp
Classification: Pathogenic for Schimke immuno-osseous dysplasia. Last evaluated: 2023-04-27. Review status: criteria provided, single submitter. Criteria: Invitae Variant Classification Sherloc (09022015). Collection method: clinical testing. Allele origin: germline.
Comment: For these reasons, this variant has been classified as Pathogenic. This variant has not been reported in the literature in individuals affected with SMARCAL1-related conditions. This variant is not present in population databases (gnomAD no frequency). This sequence change creates a premature translational stop signal (p.Gln593*) in the SMARCAL1 gene. It is expected to result in an absent or disrupted protein product. Loss-of-function variants in SMARCAL1 are known to be pathogenic (PMID: 11799392, 20301550).

Literature cited by the submitters: PubMed 11799392; PubMed 20301550.